The following is an entry in ClinVar:

ClinVar aggregate classification (germline): Likely benign (0 of 4 stars; one submission).

Conditions:
ACOT7-related disorder. Also called: ACOT7-related condition.

Allele frequency attached by ClinVar (database versions not stated): gnomAD exomes 0.00002; TOPMed 0.00005; gnomAD 0.00006; ExAC 0.00007; ESP Exome Variant Server 0.00015.

Submission:

PreventionGenetics, part of Exact Sciences
Classification: Likely benign for ACOT7-related condition. Last evaluated: 2019-06-12. Review status: no assertion criteria provided. Collection method: clinical testing. Allele origin: germline.
Comment: This variant is classified as likely benign based on ACMG/AMP sequence variant interpretation guidelines (Richards et al. 2015 PMID: 25741868, with internal and published modifications).

NM_007274.4(ACOT7):c.144-10787G>A

Gene: ACOT7 (acyl-CoA thioesterase 7; minus strand). Cytogenetic location: 1p36.31.
Variant type: single nucleotide variant.
Coding change: c.144-10787G>A on transcript NM_007274.4 (MANE Select); 10787 bases into the intron before coding-DNA position 144, G replaced by A.
Molecular consequence: intron variant. On other transcripts: 5 prime UTR variant (1).
Genome position (GRCh38, 1-based): chr1:6,360,653, C>T on the plus strand (G>A on the coding strand, the complement: ACOT7 is on the minus strand). VCF-style: chr1-6360653-C-T. GRCh37 (hg19) VCF-style: chr1-6420713-C-T.
Other names: c.-1G>A (NM_181865.3); c.174-10787G>A (NM_181864.3).
Identifiers: ClinVar variation 3034269 (VCV003034269.2), dbSNP rs142418698, ClinGen allele CA559585.